The following is an entry in ClinVar:

NM_006715.4(MAN2C1):c.1993C>G (p.Pro665Ala)

Gene: MAN2C1 (mannosidase alpha class 2C member 1; minus strand). Cytogenetic location: 15q24.2.
Variant type: single nucleotide variant.
Coding change: c.1993C>G on transcript NM_006715.4 (MANE Select); coding-DNA position 1993, C replaced by G.
Protein change: p.Pro665Ala; replaces proline 665 with alanine.
Molecular consequence: missense variant.
Genome position (GRCh38, 1-based): chr15:75,359,381, G>C on the plus strand (C>G on the coding strand, the complement: MAN2C1 is on the minus strand). VCF-style: chr15-75359381-G-C. GRCh37 (hg19) VCF-style: chr15-75651722-G-C.
Other names: c.2006C>G, p.Pro669Arg (NM_001256494.2); c.1993C>G, p.Pro665Ala (NM_001256495.2); c.1696C>G, p.Pro566Ala (NM_001256496.2); c.2006C>G (NM_001256494.1); short protein forms P566A, P665A, P669R.
Identifiers: ClinVar variation 2593500 (VCV002593500.4), dbSNP rs143370943, ClinGen allele CA7666415.

ClinVar aggregate classification (germline): Uncertain significance. Review status: criteria provided, multiple submitters, no conflicts (2 of 4 stars). 2 submissions from 2 submitters: Uncertain significance (2). Last evaluated 2025-08-03.

Conditions:
MAN2C1-related disorder. Also called: MAN2C1-related condition.

Allele frequency attached by ClinVar (database versions not stated): ESP Exome Variant Server 0.00015; TOPMed 0.00018; ExAC 0.00020; gnomAD 0.00021.
gnomAD v4.1: 344 of 1,608,176 alleles (0.021%); highest among the groups gnomAD compares: Non-Finnish European, 0.028%; no homozygotes.

Submissions (2):

Ambry Genetics
Classification: Uncertain significance. Last evaluated: 2025-08-03. Review status: criteria provided, single submitter. Criteria: Ambry Variant Classification Scheme 2023. Collection method: clinical testing. Allele origin: germline.

PreventionGenetics, part of Exact Sciences
Classification: Uncertain significance for MAN2C1-related condition. Last evaluated: 2025-03-03. Review status: criteria provided, single submitter. Criteria: ACMG Guidelines, 2015. Collection method: clinical testing. Allele origin: germline.
Comment: The MAN2C1 c.2006C>G variant is predicted to result in the amino acid substitution p.Pro669Arg. To our knowledge, this variant has not been reported in the literature. This variant is reported in 0.033% of alleles in individuals of European (Non-Finnish) descent in gnomAD. At this time, the clinical significance of this variant is uncertain due to the absence of conclusive functional and genetic evidence.